The following is an entry in ClinVar:

NM_001243133.2(NLRP3):c.2358C>T (p.Phe786=)

Gene: NLRP3 (NLR family pyrin domain containing 3; plus strand). Cytogenetic location: 1q44.
Variant type: single nucleotide variant.
Coding change: c.2358C>T on transcript NM_001243133.2 (MANE Select); coding-DNA position 2358, C replaced by T.
Protein change: p.Phe786=; no amino-acid change (phenylalanine 786 retained).
Molecular consequence: synonymous variant.
Genome position (GRCh38, 1-based): chr1:247,434,139, C>T. VCF-style: chr1-247434139-C-T. GRCh37 (hg19) VCF-style: chr1-247597441-C-T.
Other names: c.2358C>T, p.Phe786= (NM_001079821.3, NM_001127461.3); c.2187C>T, p.Phe729= (NM_001127462.3, NM_183395.3); c.2364C>T, p.Phe788= (NM_004895.5); c.2364C>T (NM_004895.4).
Identifiers: ClinVar variation 1176537 (VCV001176537.42), dbSNP rs867062949, ClinGen allele CA40703888.
Genomic context (GRCh38, chr1:247,434,139, plus strand): 5'-TCTGCCTCTGTTCTTGGCATGAAGGTTGGGGCGCTGTGGCCTCTCGCATGAGTGCTGCTT[C>T]GACATCTCCTTGGTCCTCAGCAGCAACCAGAAGCTGGTGGAGCTGGACCTGAGTGACAAC-3'
Protein context (NP_001230062.1, residues 776-796): GRCGLSHECC[Phe786=]DISLVLSSNQ

ClinVar aggregate classification (germline): Conflicting classifications of pathogenicity. Review status: criteria provided, conflicting classifications (1 of 4 stars). 3 submissions from 3 submitters: Uncertain significance (1); Likely benign (2). Last evaluated 2025-10-11.

Conditions:
Cryopyrin associated periodic syndrome (CAPS). Identifiers: Orphanet 208650, MedGen C2316212, MONDO:0016168.

Allele frequency attached by ClinVar (database versions not stated): gnomAD exomes 0.00002 and 0.00005; TOPMed 0.00010; gnomAD 0.00020 and 0.00021.
gnomAD v4.1: 60 of 1,607,752 alleles (0.0037%); highest among the groups gnomAD compares: Admixed American, 0.066%; no homozygotes.

Submissions (3):

Labcorp Genetics (formerly Invitae), Labcorp
Classification: Likely benign for Cryopyrin associated periodic syndrome. Last evaluated: 2025-10-11. Review status: criteria provided, single submitter. Criteria: Invitae Variant Classification Sherloc (09022015). Collection method: clinical testing. Allele origin: germline.

GeneDx
Classification: Uncertain significance. Last evaluated: 2024-04-05. Review status: criteria provided, single submitter. Criteria: GeneDx Variant Classification Process June 2021. Collection method: clinical testing. Allele origin: germline. Affected: yes.
Comment: In silico analysis is inconclusive as to whether the variant alters gene splicing. In the absence of RNA/functional studies, the actual effect of this sequence change is unknown.; Has not been previously published as pathogenic or benign to our knowledge; Also known as p.(F786=)

CeGaT Center for Human Genetics Tuebingen
Classification: Likely benign. Last evaluated: 2021-04-01. Review status: criteria provided, single submitter. Criteria: CeGaT Center For Human Genetics Tuebingen Variant Classification Criteria Version 2. Collection method: clinical testing. Allele origin: germline. Affected: yes. Observed: 1 variant allele.